The following is an entry in ClinVar:

ClinVar aggregate classification (germline): Conflicting classifications of pathogenicity. Review status: criteria provided, conflicting classifications (1 of 4 stars). 6 submissions from 6 submitters: Uncertain significance (1); Benign (3); Likely benign (1). 1 of the submissions does not count toward it. Last evaluated 2026-07-01.

Conditions:
AK2-related disorder. Also called: AK2-related condition.
Reticular dysgenesis. Also called: ALEUKOCYTOSIS; CONGENITAL ALEUKIA; HEMATOPOIETIC HYPOPLASIA, GENERALIZED; RETICULAR DYSGENESIA; SEVERE COMBINED IMMUNODEFICIENCY WITH LEUKOPENIA; DeVaal disease. Identifiers: Orphanet 33355, MedGen C0272167, MONDO:0009973, OMIM 267500.

Allele frequency attached by ClinVar (database versions not stated): 1000 Genomes Project 30x 0.00203; 1000 Genomes Project 0.00220; TOPMed 0.00366; gnomAD 0.00379; ESP Exome Variant Server 0.00408; gnomAD exomes 0.00411 and 0.00582; ExAC 0.00423.

Submissions (6):

CeGaT Center for Human Genetics Tuebingen
Classification: Likely benign. Last evaluated: 2026-07-01. Review status: criteria provided, single submitter. Criteria: CeGaT Center For Human Genetics Tuebingen Variant Classification Criteria Version 2. Collection method: clinical testing. Allele origin: germline. Affected: yes. Observed: 6 variant alleles.
Comment: AK2: BP4, BS2

Labcorp Genetics (formerly Invitae), Labcorp
Classification: Benign for Reticular dysgenesis. Last evaluated: 2026-01-31. Review status: criteria provided, single submitter. Criteria: Invitae Variant Classification Sherloc (09022015). Collection method: clinical testing. Allele origin: germline.

Mayo Clinic Laboratories, Mayo Clinic
Classification: Benign. Last evaluated: 2023-06-13. Review status: criteria provided, single submitter. Criteria: ACMG Guidelines, 2015. Collection method: clinical testing. Allele origin: germline. Observed: 5 variant alleles.
Comment: BS1, BS2, BP4

Baylor Genetics
Classification: Uncertain significance for Reticular dysgenesis. Last evaluated: 2018-05-09. Review status: criteria provided, single submitter. Criteria: ACMG Guidelines, 2015. Collection method: clinical testing. Allele origin: unknown. Affected: yes.
Comment: This variant was determined to be of uncertain significance according to ACMG Guidelines, 2015 [PMID:25741868].

GeneDx
Classification: Benign. Last evaluated: 2017-12-21. Review status: criteria provided, single submitter. Criteria: GeneDx Variant Classification (06012015). Collection method: clinical testing. Allele origin: germline. Affected: yes.
Comment: This variant is considered likely benign or benign based on one or more of the following criteria: it is a conservative change, it occurs at a poorly conserved position in the protein, it is predicted to be benign by multiple in silico algorithms, and/or has population frequency not consistent with disease.

PreventionGenetics, part of Exact Sciences
Classification: Benign for AK2-related condition. Last evaluated: 2019-05-06. Review status: no assertion criteria provided. Collection method: clinical testing. Allele origin: germline. Not counted in ClinVar's aggregate classification.
Comment: This variant is classified as benign based on ACMG/AMP sequence variant interpretation guidelines (Richards et al. 2015 PMID: 25741868, with internal and published modifications).

Literature cited by the submitters: PubMed 29641561 (cited by Mayo Clinic Laboratories, Mayo Clinic).

NM_001625.4(AK2):c.386G>A (p.Ser129Asn)

Gene: AK2 (adenylate kinase 2; minus strand). Cytogenetic location: 1p35.1.
Variant type: single nucleotide variant.
Coding change: c.386G>A on transcript NM_001625.4 (MANE Select); coding-DNA position 386, G replaced by A.
Protein change: p.Ser129Asn; replaces serine 129 with asparagine.
Molecular consequence: missense variant. On other transcripts: intron variant (1).
Genome position (GRCh38, 1-based): chr1:33,021,406, C>T on the plus strand (G>A on the coding strand, the complement: AK2 is on the minus strand). VCF-style: chr1-33021406-C-T. GRCh37 (hg19) VCF-style: chr1-33487007-C-T.
Other names: p.Ser129Asn; c.386G>A, p.Ser129Asn (NM_001199199.3, NM_001319141.3, NM_013411.5); c.242G>A, p.Ser81Asn (NM_001319139.3, NM_001319140.2); c.260G>A, p.Ser87Asn (NM_001319142.3); c.330+187G>A (NM_001319143.2); short protein forms S129N, S87N, S81N.
Identifiers: ClinVar variation 517906 (VCV000517906.56), dbSNP rs61750965, ClinGen allele CA747168.